The following is an entry in ClinVar:

ClinVar aggregate classification (germline): Uncertain significance (1 of 4 stars; one submission).

Conditions:
Cardiovascular phenotype. Identifiers: MedGen CN230736.
Hereditary cancer-predisposing syndrome. Also called: Tumor predisposition; Neoplastic Syndromes, Hereditary; Hereditary Cancer Syndrome; Hereditary neoplastic syndrome. Identifiers: Orphanet 140162, MedGen C0027672, MeSH D009386, MONDO:0015356.

Submission:

Ambry Genetics
Classification: Uncertain significance for Cardiovascular phenotype; Hereditary cancer-predisposing syndrome. Last evaluated: 2025-01-23. Review status: criteria provided, single submitter. Criteria: Ambry Variant Classification Scheme 2023. Collection method: clinical testing. Allele origin: germline.
Comment: The p.P1846T variant (also known as c.5536C>A), located in coding exon 37 of the NF1 gene, results from a C to A substitution at nucleotide position 5536. The proline at codon 1846 is replaced by threonine, an amino acid with highly similar properties. This amino acid position is conserved. In addition, this alteration is predicted to be deleterious by in silico analysis. Based on the available evidence, the clinical significance of this variant remains unclear.

NM_001042492.3(NF1):c.5599C>A (p.Pro1867Thr)

Gene: NF1 (neurofibromin 1; plus strand). Cytogenetic location: 17q11.2.
Variant type: single nucleotide variant.
Coding change: c.5599C>A on transcript NM_001042492.3 (MANE Select); coding-DNA position 5599, C replaced by A.
Protein change: p.Pro1867Thr; replaces proline 1867 with threonine.
Molecular consequence: missense variant.
Genome position (GRCh38, 1-based): chr17:31,327,829, C>A. VCF-style: chr17-31327829-C-A. GRCh37 (hg19) VCF-style: chr17-29654847-C-A.
Other names: c.5536C>A, p.Pro1846Thr (NM_000267.4); short protein forms P1867T, P1846T.
Identifiers: ClinVar variation 3879077 (VCV003879077.1).